The following is an entry in ClinVar:

NM_001394372.1(BICRA):c.3222dup (p.Thr1075fs)

Gene: BICRA (BRD4 interacting chromatin remodeling complex associated protein; plus strand). Cytogenetic location: 19q13.33.
Variant type: Duplication.
Coding change: c.3222dup on transcript NM_001394372.1 (MANE Select); coding-DNA position 3222, one base duplicated (C; older notation c.3222dupC).
Protein change: p.Thr1075fs; shifts the reading frame from threonine 1075.
Molecular consequence: frameshift variant.
Genome position (GRCh38, 1-based): chr19:47,696,486, C duplicated; the last of 6 consecutive C bases (chr19:47,696,481-47,696,486); duplicating any one gives the same sequence. VCF-style (leftmost placement, unchanged base first): chr19-47696480-G-GC. GRCh37 (hg19) VCF-style: chr19-48199737-G-GC.
Other names: c.3222dup, p.Thr1075fs (NM_015711.3); short protein forms T1075fs.
Identifiers: ClinVar variation 3900398 (VCV003900398.1).

ClinVar aggregate classification (germline): Pathogenic (1 of 4 stars; one submission).

Submission:

GeneDx
Classification: Pathogenic. Last evaluated: 2024-11-21. Review status: criteria provided, single submitter. Criteria: GeneDx Variant Classification Process June 2021. Collection method: clinical testing. Allele origin: germline. Affected: yes.
Comment: Frameshift variant predicted to result in protein truncation or nonsense mediated decay in a gene for which loss of function is a known mechanism of disease; Not observed at significant frequency in large population cohorts (gnomAD); Has not been previously published as pathogenic or benign to our knowledge